The following is an entry in ClinVar:

NM_001040108.2(MLH3):c.1913C>T (p.Ala638Val)

Gene: MLH3 (mutL homolog 3; minus strand). Cytogenetic location: 14q24.3.
Variant type: single nucleotide variant.
Coding change: c.1913C>T on transcript NM_001040108.2 (MANE Select); coding-DNA position 1913, C replaced by T.
Protein change: p.Ala638Val; replaces alanine 638 with valine.
Molecular consequence: missense variant.
Genome position (GRCh38, 1-based): chr14:75,047,743, G>A on the plus strand (C>T on the coding strand, the complement: MLH3 is on the minus strand). VCF-style: chr14-75047743-G-A. GRCh37 (hg19) VCF-style: chr14-75514446-G-A.
Other names: c.1913C>T, p.Ala638Val (NM_014381.3); short protein forms A638V.
Identifiers: ClinVar variation 4722457 (VCV004722457.1).

ClinVar aggregate classification (germline): Uncertain significance (1 of 4 stars; one submission).

Conditions:
Colorectal cancer, hereditary nonpolyposis, type 7. Identifiers: Orphanet 144, MedGen C1858380, MONDO:0013725, OMIM 614385.

gnomAD v4.1: 1 of 1,614,072 alleles (0.000062%); highest among the groups gnomAD compares: African/African-American, 0.0013%; no homozygotes.

Submission:

Labcorp Genetics (formerly Invitae), Labcorp
Classification: Uncertain significance for Colorectal cancer, hereditary nonpolyposis, type 7. Last evaluated: 2025-07-02. Review status: criteria provided, single submitter. Criteria: Invitae Variant Classification Sherloc (09022015). Collection method: clinical testing. Allele origin: germline.
Comment: This sequence change replaces alanine, which is neutral and non-polar, with valine, which is neutral and non-polar, at codon 638 of the MLH3 protein (p.Ala638Val). This variant is not present in population databases (gnomAD no frequency). This variant has not been reported in the literature in individuals affected with MLH3-related conditions. An algorithm developed to predict the effect of missense changes on protein structure and function (PolyPhen-2) suggests that this variant is likely to be disruptive. In summary, the available evidence is currently insufficient to determine the role of this variant in disease. Therefore, it has been classified as a Variant of Uncertain Significance.